The following is an entry in ClinVar:

ClinVar aggregate classification (germline): Likely benign. Review status: criteria provided, multiple submitters, no conflicts (2 of 4 stars). 3 submissions from 3 submitters: Likely benign (3). Last evaluated 2025-06-22.

Conditions:
Branched-chain keto acid dehydrogenase kinase deficiency (BCKDKD). Also called: BCKDK DEFICIENCY. Identifiers: Orphanet 308410, MedGen C3554078, MONDO:0013970, OMIM 614923.

Allele frequency attached by ClinVar (database versions not stated): gnomAD 0.00014; TOPMed 0.00016; ESP Exome Variant Server 0.00023; 1000 Genomes Project 30x 0.00031; gnomAD exomes 0.00035 and 0.00036; 1000 Genomes Project 0.00040; ExAC 0.00050.
gnomAD v4.1: 532 of 1,613,898 alleles (0.033%); highest among the groups gnomAD compares: Non-Finnish European, 0.04%; no homozygotes.

Submissions (3):

Labcorp Genetics (formerly Invitae), Labcorp
Classification: Likely benign for Branched-chain keto acid dehydrogenase kinase deficiency. Last evaluated: 2025-06-22. Review status: criteria provided, single submitter. Criteria: Invitae Variant Classification Sherloc (09022015). Collection method: clinical testing. Allele origin: germline.

Blueprint Genetics
Classification: Likely benign. Last evaluated: 2024-04-03. Review status: criteria provided, single submitter. Criteria: ACMG Guidelines, 2015. Collection method: clinical testing. Allele origin: germline.

CeGaT Center for Human Genetics Tuebingen
Classification: Likely benign. Last evaluated: 2023-04-01. Review status: criteria provided, single submitter. Criteria: CeGaT Center For Human Genetics Tuebingen Variant Classification Criteria Version 2. Collection method: clinical testing. Allele origin: germline. Affected: yes. Observed: 2 variant alleles.
Comment: BCKDK: BP4, BP7

NM_005881.4(BCKDK):c.588G>A (p.Ser196=)

Gene: BCKDK (branched chain keto acid dehydrogenase kinase; plus strand). Cytogenetic location: 16p11.2.
Variant type: single nucleotide variant.
Coding change: c.588G>A on transcript NM_005881.4 (MANE Select); coding-DNA position 588, G replaced by A.
Protein change: p.Ser196=; no amino-acid change (serine 196 retained).
Molecular consequence: synonymous variant.
Genome position (GRCh38, 1-based): chr16:31,110,445, G>A. VCF-style: chr16-31110445-G-A. GRCh37 (hg19) VCF-style: chr16-31121766-G-A.
Other names: c.588G>A, p.Ser196= (NM_001122957.4, NM_001271926.3).
Identifiers: ClinVar variation 779622 (VCV000779622.45), dbSNP rs150773521, ClinGen allele CA8021624.